The following is an entry in ClinVar:

ClinVar aggregate classification (germline): Uncertain significance (1 of 4 stars; one submission).

Conditions:
Cerebral creatine deficiency syndrome. Also called: Creatine deficiency syndromes. Identifiers: Orphanet 79172, MedGen C5244016, MONDO:0000456.

Submission:

Labcorp Genetics (formerly Invitae), Labcorp
Classification: Uncertain significance for Cerebral creatine deficiency syndrome. Last evaluated: 2019-10-10. Review status: criteria provided, single submitter. Criteria: Invitae Variant Classification Sherloc (09022015). Collection method: clinical testing. Allele origin: germline.
Comment: This variant results in a copy number gain of the genomic region encompassing the full coding sequence of the GAMT gene. The boundaries of this event are unknown as they extend beyond the assayed region for this gene and therefore may encompass additional genes. As the precise location of this event is unknown, it may be in tandem or it may be located elsewhere in the genome. This variant has not been reported in the literature in individuals with GAMT-related conditions. In summary, the available evidence is currently insufficient to determine the role of this variant in disease. Therefore, it has been classified as a Variant of Uncertain Significance.

NC_000019.9:g.(?_589926)_(1401495_?)dup

Genes: ABCA7 (ATP binding cassette subfamily A member 7; plus strand), ELANE (elastase, neutrophil expressed; plus strand), MIDN (midnolin; plus strand), PRTN3 (proteinase 3; plus strand), PTBP1 (polypyrimidine tract binding protein 1; plus strand) and 32 more. Cytogenetic location: 19p13.3.
Variant type: Duplication.
Identifiers: ClinVar variation 832136 (VCV000832136.2).